The following is an entry in ClinVar:

ClinVar aggregate classification (germline): Pathogenic. Review status: criteria provided, multiple submitters, no conflicts (2 of 4 stars). 2 submissions from 2 submitters: Pathogenic (2). Last evaluated 2022-05-04.

Conditions:
Familial X-linked hypophosphatemic vitamin D refractory rickets (XLHRD). Also called: HYPOPHOSPHATEMIC VITAMIN D-RESISTANT RICKETS; X-Linked Hypophosphatemia; Hypophosphatemia, vitamin D-resistant rickets; Vitamin D-resistant rickets, X-linked; Hypophosphatemic Rickets, X-Linked Dominant. Identifiers: Orphanet 89936, MedGen C0733682, MONDO:0010619, OMIM 307800.

Submissions (2):

Mendelics
Classification: Pathogenic for Familial X-linked hypophosphatemic vitamin D refractory rickets. Last evaluated: 2022-05-04. Review status: criteria provided, single submitter. Criteria: Mendelics Assertion Criteria 2019. Collection method: clinical testing. Allele origin: germline.

Labcorp Genetics (formerly Invitae), Labcorp
Classification: Pathogenic. Last evaluated: 2021-06-30. Review status: criteria provided, single submitter. Criteria: Invitae Variant Classification Sherloc (09022015). Collection method: clinical testing. Allele origin: germline.
Comment: This sequence change creates a premature translational stop signal (p.Glu437*) in the PHEX gene. It is expected to result in an absent or disrupted protein product. This variant is not present in population databases (ExAC no frequency). This variant has not been reported in the literature in individuals with PHEX-related conditions. Algorithms developed to predict the effect of sequence changes on RNA splicing suggest that this variant may create or strengthen a splice site, but this prediction has not been confirmed by published transcriptional studies. Loss-of-function variants in PHEX are known to be pathogenic (PMID: 9097956, 9106524, 19219621). For these reasons, this variant has been classified as Pathogenic.

Literature cited by the submitters: PubMed 9097956 (cited by Labcorp Genetics (formerly Invitae), Labcorp); PubMed 9106524 (cited by Labcorp Genetics (formerly Invitae), Labcorp); PubMed 19219621 (cited by Labcorp Genetics (formerly Invitae), Labcorp).

NM_000444.6(PHEX):c.1309G>T (p.Glu437Ter)

Gene: PHEX (phosphate regulating endopeptidase X-linked; plus strand). Cytogenetic location: Xp22.11.
Variant type: single nucleotide variant.
Coding change: c.1309G>T on transcript NM_000444.6 (MANE Select); coding-DNA position 1309, G replaced by T.
Protein change: p.Glu437Ter; replaces glutamic acid 437 with a stop codon.
Molecular consequence: nonsense.
Genome position (GRCh38, 1-based): chrX:22,133,529, G>T. VCF-style: chrX-22133529-G-T. GRCh37 (hg19) VCF-style: chrX-22151646-G-T.
Other names: c.1309G>T, p.Glu437Ter (NM_001282754.2); short protein forms E437*.
Identifiers: ClinVar variation 1074361 (VCV001074361.8), dbSNP rs1341755128, ClinGen allele CA412574543.